The following is an entry in ClinVar:

ClinVar aggregate classification (germline): Uncertain significance. Review status: criteria provided, multiple submitters, no conflicts (2 of 4 stars). 3 submissions from 3 submitters: Uncertain significance (3). Last evaluated 2026-03-24.

Conditions:
Inborn genetic diseases. Identifiers: MedGen C0950123, MeSH D030342.
RP1L1-related disorder. Also called: RP1L1-related condition.

Allele frequency attached by ClinVar (database versions not stated): ExAC 0.00004; gnomAD 0.00004; TOPMed 0.00005; 1000 Genomes Project 30x 0.00016.

Submissions (3):

PreventionGenetics, part of Exact Sciences
Classification: Uncertain significance for RP1L1-related condition. Last evaluated: 2026-03-24. Review status: criteria provided, single submitter. Criteria: ACMG Guidelines, 2015. Collection method: clinical testing. Allele origin: germline.
Comment: The RP1L1 c.1000G>A variant is predicted to result in the amino acid substitution p.Glu334Lys. To our knowledge, this variant has not been reported in the literature. This variant is reported in 0.011% of alleles in individuals of European (Non-Finnish) descent in gnomAD. At this time, the clinical significance of this variant is uncertain due to the absence of conclusive functional and genetic evidence.

Ambry Genetics
Classification: Uncertain significance for Inborn genetic diseases. Last evaluated: 2025-03-08. Review status: criteria provided, single submitter. Criteria: Ambry Variant Classification Scheme 2023. Collection method: clinical testing. Allele origin: germline.

Blueprint Genetics
Classification: Uncertain significance. Last evaluated: 2024-08-15. Review status: criteria provided, single submitter. Criteria: ACMG Guidelines, 2015. Collection method: clinical testing. Allele origin: germline.

NM_178857.6(RP1L1):c.1000G>A (p.Glu334Lys)

Gene: RP1L1 (RP1 like 1). Cytogenetic location: 8p23.1.
Variant type: single nucleotide variant.
Coding change: c.1000G>A on transcript NM_178857.6 (MANE Select); coding-DNA position 1000, G replaced by A.
Protein change: p.Glu334Lys; replaces glutamic acid 334 with lysine.
Molecular consequence: missense variant.
Genome position (GRCh38, 1-based): chr8:10,613,098, C>T on the plus strand (G>A on the coding strand, the complement: RP1L1 is on the minus strand). VCF-style: chr8-10613098-C-T. GRCh37 (hg19) VCF-style: chr8-10470608-C-T.
Other names: short protein forms E334K.
Identifiers: ClinVar variation 2230708 (VCV002230708.5), dbSNP rs750793578, ClinGen allele CA4625357.